The following is an entry in ClinVar:

NM_032043.3(BRIP1):c.116A>C (p.Lys39Thr)

Gene: BRIP1 (BRCA1 interacting DNA helicase 1; minus strand). Cytogenetic location: 17q23.2.
Variant type: single nucleotide variant.
Coding change: c.116A>C on transcript NM_032043.3 (MANE Select); coding-DNA position 116, A replaced by C.
Protein change: p.Lys39Thr; replaces lysine 39 with threonine.
Molecular consequence: missense variant.
Genome position (GRCh38, 1-based): chr17:61,859,885, T>G on the plus strand (A>C on the coding strand, the complement: BRIP1 is on the minus strand). VCF-style: chr17-61859885-T-G. GRCh37 (hg19) VCF-style: chr17-59937246-T-G.
Other names: short protein forms K39T.
Identifiers: ClinVar variation 483157 (VCV000483157.5), dbSNP rs1555618428, ClinGen allele CA400485840.

ClinVar aggregate classification (germline): Uncertain significance (1 of 4 stars; one submission).

Conditions:
Hereditary cancer-predisposing syndrome. Also called: Neoplastic Syndromes, Hereditary; Tumor predisposition; Hereditary Cancer Syndrome; Hereditary neoplastic syndrome. Identifiers: Orphanet 140162, MedGen C0027672, MeSH D009386, MONDO:0015356.

Submission:

Ambry Genetics
Classification: Uncertain significance for Hereditary cancer-predisposing syndrome. Last evaluated: 2016-06-03. Review status: criteria provided, single submitter. Criteria: Ambry Variant Classification Scheme 2023. Collection method: clinical testing. Allele origin: germline.
Comment: The p.K39T variant (also known as c.116A>C), located in coding exon 2 of the BRIP1 gene, results from an A to C substitution at nucleotide position 116. The lysine at codon 39 is replaced by threonine, an amino acid with similar properties. This variant was not reported in population based cohorts in the following databases: Database of Single Nucleotide Polymorphisms (dbSNP), NHLBI Exome Sequencing Project (ESP), and 1000 Genomes Project. In the ESP, this variant was not observed in 6503 samples (13006 alleles) with coverage at this position. To date, this alteration has been detected with an allele frequency of approximately 0.001% (greater than 175000 alleles tested) in our clinical cohort. This amino acid position is poorly conserved in available vertebrate species. In addition, this alteration is predicted to be tolerated by in silico analysis. Since supporting evidence is limited at this time, the clinical significance of this alteration remains unclear.